The following is an entry in ClinVar:

ClinVar aggregate classification (germline): Likely benign (0 of 4 stars; one submission).

Conditions:
JAG2-related disorder. Also called: JAG2-related condition.

Allele frequency attached by ClinVar (database versions not stated): TOPMed 0.00004; gnomAD 0.00005; gnomAD exomes 0.00005; ExAC 0.00011.

Submission:

PreventionGenetics, part of Exact Sciences
Classification: Likely benign for JAG2-related condition. Last evaluated: 2023-05-31. Review status: no assertion criteria provided. Collection method: clinical testing. Allele origin: germline.
Comment: This variant is classified as likely benign based on ACMG/AMP sequence variant interpretation guidelines (Richards et al. 2015 PMID: 25741868, with internal and published modifications).

NM_002226.5(JAG2):c.1489C>T (p.Leu497=)

Gene: JAG2 (jagged canonical Notch ligand 2; minus strand). Cytogenetic location: 14q32.33.
Variant type: single nucleotide variant.
Coding change: c.1489C>T on transcript NM_002226.5 (MANE Select); coding-DNA position 1489, C replaced by T.
Protein change: p.Leu497=; no amino-acid change (leucine 497 retained).
Molecular consequence: synonymous variant.
Genome position (GRCh38, 1-based): chr14:105,150,717, G>A on the plus strand (C>T on the coding strand, the complement: JAG2 is on the minus strand). VCF-style: chr14-105150717-G-A. GRCh37 (hg19) VCF-style: chr14-105617054-G-A.
Other names: c.1375C>T, p.Leu459= (NM_145159.3).
Identifiers: ClinVar variation 3029553 (VCV003029553.2), dbSNP rs770756112, ClinGen allele CA7385990.